The following is an entry in ClinVar:

ClinVar aggregate classification (germline): Uncertain significance (1 of 4 stars; one submission).

Conditions:
Severe combined immunodeficiency due to IKK2 deficiency. Also called: Immunodeficiency 15; IMMUNODEFICIENCY 15B. Identifiers: Orphanet 397787, MedGen C4747743, MONDO:0014267, OMIM 615592.

Submission:

Labcorp Genetics (formerly Invitae), Labcorp
Classification: Uncertain significance for Severe combined immunodeficiency due to IKK2 deficiency. Last evaluated: 2019-10-11. Review status: criteria provided, single submitter. Criteria: Invitae Variant Classification Sherloc (09022015). Collection method: clinical testing. Allele origin: germline.
Comment: In summary, the available evidence is currently insufficient to determine the role of this variant in disease. Therefore, it has been classified as a Variant of Uncertain Significance. Nucleotide substitutions within the consensus splice site are a relatively common cause of aberrant splicing (PMID: 17576681, 9536098). Algorithms developed to predict the effect of sequence changes on RNA splicing suggest that this variant may disrupt the consensus splice site, but this prediction has not been confirmed by published transcriptional studies. This variant has not been reported in the literature in individuals with IKBKB-related conditions. This variant is not present in population databases (ExAC no frequency). This sequence change falls in intron 14 of the IKBKB gene. It does not directly change the encoded amino acid sequence of the IKBKB protein, but it affects a nucleotide within the consensus splice site of the intron.

Literature cited by the submitters: PubMed 17576681; PubMed 9536098.

NM_001556.3(IKBKB):c.1517-3C>G

Gene: IKBKB (inhibitor of nuclear factor kappa B kinase subunit beta; plus strand). Cytogenetic location: 8p11.21.
Variant type: single nucleotide variant.
Coding change: c.1517-3C>G on transcript NM_001556.3 (MANE Select); 3 bases into the intron before coding-DNA position 1517, C replaced by G.
Molecular consequence: intron variant.
Genome position (GRCh38, 1-based): chr8:42,319,582, C>G. VCF-style: chr8-42319582-C-G. GRCh37 (hg19) VCF-style: chr8-42177100-C-G.
Other names: c.1340-3C>G (NM_001242778.2); c.1325-3C>G (NM_001190720.3).
Identifiers: ClinVar variation 963475 (VCV000963475.7), dbSNP rs1819383596, ClinGen allele CA1139660466.